The following is an entry in ClinVar:

NM_001291303.3(FAT4):c.2074G>C (p.Val692Leu)

Gene: FAT4 (FAT atypical cadherin 4; plus strand). Cytogenetic location: 4q28.1.
Variant type: single nucleotide variant.
Coding change: c.2074G>C on transcript NM_001291303.3 (MANE Select); coding-DNA position 2074, G replaced by C.
Protein change: p.Val692Leu; replaces valine 692 with leucine.
Molecular consequence: missense variant.
Genome position (GRCh38, 1-based): chr4:125,318,485, G>C. VCF-style: chr4-125318485-G-C. GRCh37 (hg19) VCF-style: chr4-126239640-G-C.
Other names: c.2074G>C (NM_024582.4); c.2074G>C, p.Val692Leu (NM_001291285.3, NM_024582.6); short protein forms V692L.
Identifiers: ClinVar variation 3005703 (VCV003005703.5), dbSNP rs1385531926, ClinGen allele CA358119541.

ClinVar aggregate classification (germline): Uncertain significance. Review status: criteria provided, multiple submitters, no conflicts (2 of 4 stars). 3 submissions from 3 submitters: Uncertain significance (3). Last evaluated 2025-01-19.

Conditions:
Inborn genetic diseases. Identifiers: MedGen C0950123, MeSH D030342.
Intellectual disability. Also called: Intellectual functioning disability; intellectual disabilities; Intellectual developmental disorder. Identifiers: MedGen C3714756, MeSH D008607, MONDO:0001071, HP:0001249.

Allele frequency attached by ClinVar (database versions not stated): gnomAD exomes below 0.00001; TOPMed below 0.00001.
gnomAD v4.1: 7 of 1,614,120 alleles (0.00043%); highest among the groups gnomAD compares: Non-Finnish European, 0.00059%; no homozygotes.

Submissions (3):

Ambry Genetics
Classification: Uncertain significance for Inborn genetic diseases. Last evaluated: 2025-01-19. Review status: criteria provided, single submitter. Criteria: Ambry Variant Classification Scheme 2023. Collection method: clinical testing. Allele origin: germline.

Labcorp Genetics (formerly Invitae), Labcorp
Classification: Uncertain significance. Last evaluated: 2023-11-17. Review status: criteria provided, single submitter. Criteria: Invitae Variant Classification Sherloc (09022015). Collection method: clinical testing. Allele origin: germline.
Comment: This sequence change replaces valine, which is neutral and non-polar, with leucine, which is neutral and non-polar, at codon 692 of the FAT4 protein (p.Val692Leu). This variant is not present in population databases (gnomAD no frequency). This variant has not been reported in the literature in individuals affected with FAT4-related conditions. Advanced modeling of protein sequence and biophysical properties (such as structural, functional, and spatial information, amino acid conservation, physicochemical variation, residue mobility, and thermodynamic stability) performed at Invitae indicates that this missense variant is not expected to disrupt FAT4 protein function with a negative predictive value of 80%. In summary, the available evidence is currently insufficient to determine the role of this variant in disease. Therefore, it has been classified as a Variant of Uncertain Significance.

Cambridge Genomics Laboratory, East Genomic Laboratory Hub, NHS Genomic Medicine Service
Classification: Uncertain significance for Intellectual disability. Last evaluated: 2020-02-25. Review status: criteria provided, single submitter. Criteria: ACGS Best Practice Guidelines for Variant Classification in Rare Disease 2020. Collection method: clinical testing. Allele origin: germline. Affected: yes. Observed: 1 variant allele.